The following is an entry in ClinVar:

ClinVar aggregate classification (germline): Pathogenic. Review status: criteria provided, multiple submitters, no conflicts (2 of 4 stars). 17 submissions from 17 submitters: Pathogenic (16). 1 of the submissions does not count toward it. Last evaluated 2026-09-02.

Conditions:
Cardiovascular phenotype. Identifiers: MedGen CN230736.
MASS syndrome (OCTD). Also called: MASS PHENOTYPE; OVERLAP CONNECTIVE TISSUE DISEASE. Identifiers: MedGen C1858556, MONDO:0011431, OMIM 604308.
Weill-Marchesani syndrome 2, dominant. Also called: Weill-Marchesani Syndrome, Autosomal Dominant; FBN1-Related Weill-Marchesani Syndrome. Identifiers: Orphanet 2084, MedGen C1869115, MONDO:0012013, OMIM 608328.
Geleophysic dysplasia 2 (GPHYSD2). Identifiers: Orphanet 2623, MedGen C3280054, MONDO:0013612, OMIM 614185.
Progeroid and marfanoid aspect-lipodystrophy syndrome. Also called: MARFANOID-PROGEROID SYNDROME; MARFAN-PROGEROID-LIPODYSTROPHY SYNDROME; Marfan lipodystrophy syndrome; MARFANOID-PROGEROID-LIPODYSTROPHY SYNDROME. Identifiers: Orphanet 300382, MedGen C4310796, MONDO:0014831, OMIM 616914.
Acromicric dysplasia (ACMICD). Also called: Acromicric skeletal dysplasia. Identifiers: Orphanet 969, MedGen C0265287, MONDO:0007055, OMIM 102370.
Ectopia lentis 1, isolated, autosomal dominant (ECTOL1). Identifiers: Orphanet 1885, MedGen C3541518, MONDO:0007514, OMIM 129600.
Stiff skin syndrome (SSKS). Identifiers: Orphanet 2833, MedGen C1861456, MONDO:0008492, OMIM 184900.
Marfan syndrome (MFS). Also called: FBN1-Related Marfan Syndrome; Marfan syndrome type 1; Marfan's syndrome; MARFAN SYNDROME, TYPE I; Marfan syndrome, classic. Identifiers: Orphanet 284963, Orphanet 558, MedGen C0024796, MONDO:0007947, OMIM 154700.
Marfan Syndrome/Loeys-Dietz Syndrome/Familial Thoracic Aortic Aneurysms and Dissections. Identifiers: MedGen CN229799.
Familial thoracic aortic aneurysm and aortic dissection (TAAD). Also called: Thoracic aortic aneurysms and dissections. Identifiers: Orphanet 91387, MedGen C4707243, MONDO:0019625.
FBN1-related disorder. Also called: FBN1-related disorders.

Allele frequency attached by ClinVar (database versions not stated): gnomAD exomes below 0.00001; TOPMed below 0.00001; gnomAD 0.00001.
gnomAD v4.1: 2 of 1,614,046 alleles (0.00012%); highest among the groups gnomAD compares: Non-Finnish European, 0.00017%; no homozygotes.

Submissions 1 to 9 of 17:

PreventionGenetics, part of Exact Sciences
Classification: Pathogenic for FBN1-related condition. Last evaluated: 2026-09-02. Review status: criteria provided, single submitter. Criteria: ACMG Guidelines, 2015. Collection method: clinical testing. Allele origin: germline.
Comment: The FBN1 c.1879C>T variant is predicted to result in the amino acid substitution p.Arg627Cys. This variant is located in the calcium-binding EGF-like (cbEGF) domain 6, and missense variants in the cbEGF domains that create or substitute a cysteine residue are well-documented to cause Marfan syndrome (MFS, Drackley et al. 2024. PubMed ID: 39741318). This variant has been reported in individuals with clinical features of MFS or related phenotypes (see, for example, Hayward et al. 1994. PubMed ID: 8004112; Campens et al. 2015. PubMed ID: 25644172; Zhao et al. 2020. PubMed ID: 32209317; Bitarafan et al. 2020. PubMed ID: 32431097; Table S2, Yang et al. 2022. PubMed ID: 36517271), and segregation was demonstrated in at least three families (Hayward et al. 1994. PubMed ID: 8004112; Halliday et al. 2002. PubMed ID: 12161601; Rommel et al. 2005. PubMed ID: 16220557). This variant was also reported to be de novo in individuals with MFS (Table S6, Stheneur et al. 2009. PubMed ID: 19293843; Internal Data, PreventionGenetics). Functional studies showed reduced conformational stability and increased susceptibility to proteolytic degradation (Vollbrandt et al. 2004. PubMed ID: 15161917; Kirschner et al. 2011. PubMed ID: 21784848). This variant has not been reported in a large population database (gnomAD), indicating this variant is rare and is interpreted as pathogenic in ClinVar (Variation ID: 163480). This variant is interpreted as pathogenic.

Molecular Diagnostic Laboratory for Inherited Cardiovascular Disease, Montreal Heart Institute
Classification: Pathogenic for Cardiovascular phenotype. Last evaluated: 2025-12-01. Review status: criteria provided, single submitter. Criteria: ACMG Guidelines, 2015. Collection method: clinical testing. Allele origin: germline. Affected: yes.

Labcorp Genetics (formerly Invitae), Labcorp
Classification: Pathogenic for Marfan syndrome; Familial thoracic aortic aneurysm and aortic dissection. Last evaluated: 2025-10-26. Review status: criteria provided, single submitter. Criteria: Invitae Variant Classification Sherloc (09022015). Collection method: clinical testing. Allele origin: germline.
Comment: This sequence change replaces arginine, which is basic and polar, with cysteine, which is neutral and slightly polar, at codon 627 of the FBN1 protein (p.Arg627Cys). This variant is not present in population databases (gnomAD no frequency). This missense change has been observed in individuals with clinical features of Marfan syndrome (PMID: 8004112, 12161601, 16220557, 17418587, 17679947, 23684891, 25644172). ClinVar contains an entry for this variant (Variation ID: 163480). Invitae Evidence Modeling of protein sequence and biophysical properties (such as structural, functional, and spatial information, amino acid conservation, physicochemical variation, residue mobility, and thermodynamic stability) has been performed for this missense variant. However, the output from this modeling did not meet the statistical confidence thresholds required to predict the impact of this variant on FBN1 protein function. Experimental studies have shown that this missense change affects FBN1 function (PMID: 15161917, 21784848). For these reasons, this variant has been classified as Pathogenic.

Illumina Laboratory Services, Illumina
Classification: Pathogenic for Marfan syndrome. Last evaluated: 2023-07-19. Review status: criteria provided, single submitter. Criteria: ICSLVariantClassificationCriteria RUGD 01 April 2020. Collection method: clinical testing. Allele origin: unknown.
Comment: The FBN1 c.1879C>T (p.Arg627Cys) missense variant has been observed in individuals with a phenotype consistent with Marfan syndrome and has been shown to segregate with disease across multiple families (PMID: 16220557; 17418587; 17503327; 17679947; 25644172; 32431097). A functional study conducted in human cell lines demonstrated that this variant impacts protein function (PMID: 21784848). This variant is not observed at a significant frequency in version 2.1.1 or version 3.1.2 of the Genome Aggregation Database. This variant has been classified as pathogenic by at least three submitters in ClinVar. Based on the available evidence, the c.1879C>T (p.Arg627Cys) variant is classified as pathogenic for Marfan syndrome.

Clinical Genetics Laboratory, Skane University Hospital Lund
Classification: Pathogenic. Last evaluated: 2022-07-13. Review status: criteria provided, single submitter. Criteria: ACMG Guidelines, 2015. Collection method: clinical testing. Allele origin: germline. Affected: yes.

Blueprint Genetics
Classification: Pathogenic for FBN1-related disorders. Last evaluated: 2022-04-29. Review status: criteria provided, single submitter. Criteria: ACMG Guidelines, 2015. Collection method: clinical testing. Allele origin: germline. Affected: yes. Observed: 2 variant alleles.

GeneDx
Classification: Pathogenic. Last evaluated: 2022-02-24. Review status: criteria provided, single submitter. Criteria: GeneDx Variant Classification Process June 2021. Collection method: clinical testing. Allele origin: germline. Affected: yes.
Comment: Not observed at significant frequency in large population cohorts (gnomAD); In silico analysis supports that this missense variant has a deleterious effect on protein structure/function; Introduces a new cysteine residue within a calcium-binding EGF-like domain of the FBN1 gene, which may affect disulfide bonding and is predicted to alter the structure and function of the protein; cysteine substitutions in the calcium-binding EGF-like domains represent the majority of pathogenic missense changes associated with FBN1-related disorders (Collod-Beroud et al., 2003).; Published functional studies demonstrate a damaging effect as fibrillin protein harboring p.(R627C) is more susceptible to proteolytic degradation by a variety of proteases (Vollbrandt et al., 2004; Kirschner et al., 2011); This variant is associated with the following publications: (PMID: 23684891, 27647783, 15161917, 32431097, 8004112, 17679947, 25644172, 19293843, 12161601, 17418587, 24941995, 31055806, 32209317, 33083483, 12938084, 33059708, 33576469, 21784848, 17503327, 16220557)

CeGaT Center for Human Genetics Tuebingen
Classification: Pathogenic. Last evaluated: 2021-09-01. Review status: criteria provided, single submitter. Criteria: CeGaT Center For Human Genetics Tuebingen Variant Classification Criteria Version 2. Collection method: clinical testing. Allele origin: germline. Affected: yes. Observed: 1 variant allele.

Women's Health and Genetics/Laboratory Corporation of America, LabCorp
Classification: Pathogenic for Marfan Syndrome/Loeys-Dietz Syndrome/Familial Thoracic Aortic Aneurysms and Dissections. Last evaluated: 2021-05-31. Review status: criteria provided, single submitter. Criteria: LabCorp Variant Classification Summary - May 2015. Collection method: clinical testing. Allele origin: germline.
Comment: Variant summary: FBN1 c.1879C>T (p.Arg627Cys) results in a non-conservative amino acid change located in the cb EGF-like #06 domain of the encoded protein sequence. Five of five in-silico tools predict a damaging effect of the variant on protein function. Missense affecting/creating cysteine residues and affecting the conserved residues of the EGF-consensus sequence are among the criteria considered as causal in making a diagnosis of Marfan syndrome The variant was absent in 251538 control chromosomes. c.1879C>T has been widely reported in the literature in multiple individuals affected with features of Marfan Syndrome and has subsequently been cited by others (example, Hayward_1994, Hayward_1997, Rommel_2005, Miyazawa_2007, Waldmuller_2007, Jin_2007, Halliday_2002). These data indicate that the variant is very likely to be associated with disease. At least one publication reports experimental evidence evaluating an impact on protein function. The most pronounced variant effect results in enhanced proteolytic susceptibility to a variety of proteases (example, Vollbrandt_2004). Four clinical diagnostic laboratories have submitted clinical-significance assessments for this variant to ClinVar after 2014 without evidence for independent evaluation. All laboratories classified the variant as pathogenic (n=3)/likely pathogenic (n=1). Based on the evidence outlined above, the variant was classified as pathogenic.

NM_000138.5(FBN1):c.1879C>T (p.Arg627Cys)

Gene: FBN1 (fibrillin 1; minus strand). Cytogenetic location: 15q21.1.
Variant type: single nucleotide variant.
Coding change: c.1879C>T on transcript NM_000138.5 (MANE Select); coding-DNA position 1879, C replaced by T.
Protein change: p.Arg627Cys; replaces arginine 627 with cysteine.
Molecular consequence: missense variant.
Genome position (GRCh38, 1-based): chr15:48,505,106, G>A on the plus strand (C>T on the coding strand, the complement: FBN1 is on the minus strand). VCF-style: chr15-48505106-G-A. GRCh37 (hg19) VCF-style: chr15-48797303-G-A.
Other names: short protein forms R627C.
Identifiers: ClinVar variation 163480 (VCV000163480.71), dbSNP rs727503057, ClinGen allele CA012647.